The following is an entry in ClinVar:

ClinVar aggregate classification (germline): Pathogenic/Likely pathogenic. Review status: criteria provided, multiple submitters, no conflicts (2 of 4 stars). 3 submissions from 3 submitters: Pathogenic (1); Likely pathogenic (1). 1 of the submissions does not count toward it. Last evaluated 2024-07-11.

Conditions:
Insulin-dependent diabetes mellitus secretory diarrhea syndrome (IPEX). Also called: IPEX and IPEX-Like; Immunodeficiency, Polyendocrinopathy, and Enteropathy X-Linked Syndrome; X-Linked Syndrome of Polyendocrinopathy, Immune Dysfunction, and Diarrhea; DIABETES MELLITUS, CONGENITAL INSULIN-DEPENDENT, WITH FATAL SECRETORY DIARRHEA; DIARRHEA, POLYENDOCRINOPATHY, FATAL INFECTION SYNDROME, X-LINKED; ENTEROPATHY, AUTOIMMUNE, WITH HEMOLYTIC ANEMIA AND POLYENDOCRINOPATHY. Identifiers: Orphanet 37042, MedGen C0342288, MONDO:0010580, OMIM 304790. Disease mechanism: loss of function.

Submissions (3):

Laboratorio de Genetica e Diagnostico Molecular, Hospital Israelita Albert Einstein
Classification: Likely pathogenic for Insulin-dependent diabetes mellitus secretory diarrhea syndrome. Last evaluated: 2024-07-11. Review status: criteria provided, single submitter. Criteria: ACMG Guidelines, 2015. Collection method: clinical testing. Allele origin: germline. Affected: yes.
Comment: ACMG classification criteria: PS3 supporting, PS4 strong, PM2 supporting, PP1 supporting, PP3 supporting

Labcorp Genetics (formerly Invitae), Labcorp
Classification: Pathogenic for Insulin-dependent diabetes mellitus secretory diarrhea syndrome. Last evaluated: 2022-09-19. Review status: criteria provided, single submitter. Criteria: Invitae Variant Classification Sherloc (09022015). Collection method: clinical testing. Allele origin: germline.
Comment: This missense change has been observed in individuals with immune dysregulation, polyendocrinopathy, enteropathy, X-linked syndrome (IPEX) and IPEX syndrome (PMID: 11137993, 15096376, 18951619, 29896738). It has also been observed to segregate with disease in related individuals. ClinVar contains an entry for this variant (Variation ID: 11410). Advanced modeling of protein sequence and biophysical properties (such as structural, functional, and spatial information, amino acid conservation, physicochemical variation, residue mobility, and thermodynamic stability) performed at Invitae indicates that this missense variant is expected to disrupt FOXP3 protein function. Experimental studies have shown that this missense change affects FOXP3 function (PMID: 28778586, 28783662). For these reasons, this variant has been classified as Pathogenic. This variant is not present in population databases (gnomAD no frequency). This sequence change replaces alanine, which is neutral and non-polar, with threonine, which is neutral and polar, at codon 384 of the FOXP3 protein (p.Ala384Thr).

OMIM
Classification: Pathogenic for IMMUNODYSREGULATION, POLYENDOCRINOPATHY, AND ENTEROPATHY, X-LINKED. Last evaluated: 2001-01-01. Review status: no assertion criteria provided. Collection method: literature only. Allele origin: germline. Not counted in ClinVar's aggregate classification.

Literature cited by the submitters: PubMed 11137993 (cited by Labcorp Genetics (formerly Invitae), Labcorp and OMIM); PubMed 15096376 (cited by Labcorp Genetics (formerly Invitae), Labcorp); PubMed 18951619 (cited by Labcorp Genetics (formerly Invitae), Labcorp); PubMed 29896738 (cited by Labcorp Genetics (formerly Invitae), Labcorp); PubMed 28778586 (cited by Labcorp Genetics (formerly Invitae), Labcorp); PubMed 28783662 (cited by Labcorp Genetics (formerly Invitae), Labcorp); PubMed 11137992 (cited by OMIM); PubMed 10706361 (cited by OMIM).

NM_014009.4(FOXP3):c.1150G>A (p.Ala384Thr)

Gene: FOXP3 (forkhead box P3; minus strand). Cytogenetic location: Xp11.23.
Variant type: single nucleotide variant.
Coding change: c.1150G>A on transcript NM_014009.4 (MANE Select); coding-DNA position 1150, G replaced by A.
Protein change: p.Ala384Thr; replaces alanine 384 with threonine.
Molecular consequence: missense variant.
Genome position (GRCh38, 1-based): chrX:49,251,480, C>T on the plus strand (G>A on the coding strand, the complement: FOXP3 is on the minus strand). VCF-style: chrX-49251480-C-T. GRCh37 (hg19) VCF-style: chrX-49107941-C-T.
Other names: c.1045G>A, p.Ala349Thr (NM_001114377.2); short protein forms A384T, A349T.
Identifiers: ClinVar variation 11410 (VCV000011410.12), dbSNP rs122467170, ClinGen allele CA255859.